The following is an entry in ClinVar:

ClinVar aggregate classification (germline): Likely benign (1 of 4 stars; one submission).

Allele frequency attached by ClinVar (database versions not stated): TOPMed 0.01310; 1000 Genomes Project 30x 0.01499.
gnomAD v4.1: 1,783 of 152,254 alleles (1.2%); highest among the groups gnomAD compares: African/African-American, 4.1%; 35 homozygotes.

Submission:

GeneDx
Classification: Likely benign. Last evaluated: 2018-06-19. Review status: criteria provided, single submitter. Criteria: GeneDx Variant Classification (06012015). Collection method: clinical testing. Allele origin: germline. Affected: yes.
Comment: This variant is considered likely benign or benign based on one or more of the following criteria: it is a conservative change, it occurs at a poorly conserved position in the protein, it is predicted to be benign by multiple in silico algorithms, and/or has population frequency not consistent with disease.

NM_004369.4(COL6A3):c.3680-225A>T

Gene: COL6A3 (collagen type VI alpha 3 chain; minus strand). Cytogenetic location: 2q37.3.
Variant type: single nucleotide variant.
Coding change: c.3680-225A>T on transcript NM_004369.4 (MANE Select); 225 bases into the intron before coding-DNA position 3680, A replaced by T.
Molecular consequence: intron variant.
Genome position (GRCh38, 1-based): chr2:237,372,562, T>A on the plus strand (A>T on the coding strand, the complement: COL6A3 is on the minus strand). VCF-style: chr2-237372562-T-A. GRCh37 (hg19) VCF-style: chr2-238281205-T-A.
Other names: c.1859-225A>T (NM_057166.5); c.3062-225A>T (NM_057167.4, NM_057165.5); c.2459-225A>T (NM_057164.5).
Identifiers: ClinVar variation 679005 (VCV000679005.1), dbSNP rs80185031, ClinGen allele CA67819722.